The following is an entry in ClinVar:

ClinVar aggregate classification (germline): Uncertain significance (1 of 4 stars; one submission).

Conditions:
KBG syndrome (KBGS). Also called: ANKRD11-Related KBG Syndrome. Identifiers: Orphanet 2332, MedGen C0220687, MONDO:0007846, OMIM 148050.

Allele frequency attached by ClinVar (database versions not stated): gnomAD exomes below 0.00001; gnomAD 0.00001.
gnomAD v4.1: 2 of 1,611,762 alleles (0.00012%); highest among the groups gnomAD compares: African/African-American, 0.0013%; no homozygotes.

Submission:

Labcorp Genetics (formerly Invitae), Labcorp
Classification: Uncertain significance for KBG syndrome. Last evaluated: 2022-03-30. Review status: criteria provided, single submitter. Criteria: Invitae Variant Classification Sherloc (09022015). Collection method: clinical testing. Allele origin: germline.
Comment: Advanced modeling of protein sequence and biophysical properties (such as structural, functional, and spatial information, amino acid conservation, physicochemical variation, residue mobility, and thermodynamic stability) performed at Invitae indicates that this missense variant is not expected to disrupt ANKRD11 protein function. In summary, the available evidence is currently insufficient to determine the role of this variant in disease. Therefore, it has been classified as a Variant of Uncertain Significance. This variant has not been reported in the literature in individuals affected with ANKRD11-related conditions. This variant is present in population databases (no rsID available, gnomAD 0.01%). This sequence change replaces arginine, which is basic and polar, with glutamine, which is neutral and polar, at codon 2408 of the ANKRD11 protein (p.Arg2408Gln).

NM_013275.6(ANKRD11):c.7223G>A (p.Arg2408Gln)

Gene: ANKRD11 (ankyrin repeat domain 11; minus strand). Cytogenetic location: 16q24.3.
Variant type: single nucleotide variant.
Coding change: c.7223G>A on transcript NM_013275.6 (MANE Select); coding-DNA position 7223, G replaced by A.
Protein change: p.Arg2408Gln; replaces arginine 2408 with glutamine.
Molecular consequence: missense variant.
Genome position (GRCh38, 1-based): chr16:89,279,319, C>T on the plus strand (G>A on the coding strand, the complement: ANKRD11 is on the minus strand). VCF-style: chr16-89279319-C-T. GRCh37 (hg19) VCF-style: chr16-89345727-C-T.
Other names: c.7223G>A, p.Arg2408Gln (NM_001256182.2, NM_001256183.2); short protein forms R2408Q.
Identifiers: ClinVar variation 2118220 (VCV002118220.4), dbSNP rs776557887, ClinGen allele CA397148881.